The following is an entry in ClinVar:

ClinVar aggregate classification (germline): Pathogenic/Likely pathogenic. Review status: criteria provided, multiple submitters, no conflicts (2 of 4 stars). 4 submissions from 4 submitters: Pathogenic (2); Likely pathogenic (1). 1 of the submissions does not count toward it. Last evaluated 2026-09-10.

Conditions:
Hypothyroidism, congenital, nongoitrous, 9. Identifiers: MedGen C5231396, MONDO:0026732, OMIM 301035.
IRS4-related disorders.

Submissions (4):

GeneDx
Classification: Likely pathogenic. Last evaluated: 2026-09-10. Review status: criteria provided, single submitter. Criteria: GeneDx Variant Classification Process June 2021. Collection method: clinical testing. Allele origin: germline.
Comment: Frameshift variant predicted to result in abnormal protein length as the last 666 amino acids are replaced with 11 different amino acids; This variant is associated with the following publications: (PMID: 30061370, 36860195, 33107432)

Blueprint Genetics
Classification: Pathogenic for IRS4-related disorders. Last evaluated: 2022-10-20. Review status: criteria provided, single submitter. Criteria: ACMG Guidelines, 2015. Collection method: clinical testing. Allele origin: germline. Affected: yes. Observed: 4 variant alleles.

Institute of Human Genetics, Clinical Exome/Genome Diagnostics Group, University Hospital Bonn
Classification: Pathogenic for Hypothyroidism, congenital, nongoitrous, 9. Last evaluated: 2021-06-21. Review status: criteria provided, single submitter. Criteria: ACMG Guidelines, 2015. Collection method: clinical testing. Allele origin: germline. Affected: yes.
Comment: PVS1, PS1, PM2

OMIM
Classification: Pathogenic for HYPOTHYROIDISM, CONGENITAL, NONGOITROUS, 9. Last evaluated: 2019-09-26. Review status: no assertion criteria provided. Collection method: literature only. Allele origin: germline. Not counted in ClinVar's aggregate classification.

Literature cited by the submitters: PubMed 30061370 (cited by OMIM).

NM_001379150.1(IRS4):c.1772dup (p.Lys592fs)

Gene: IRS4 (insulin receptor substrate 4; minus strand). Cytogenetic location: Xq22.3.
Variant type: Duplication.
Coding change: c.1772dup on transcript NM_001379150.1 (MANE Select); coding-DNA position 1772, one base duplicated (G; older notation c.1772dupG).
Protein change: p.Lys592fs; shifts the reading frame from lysine 592.
Molecular consequence: frameshift variant.
Genome position (GRCh38, 1-based): chrX:108,734,573, C duplicated on the plus strand (G on the coding strand, the reverse complement: IRS4 is on the minus strand); the first of 8 consecutive C bases (chrX:108,734,573-108,734,580); duplicating any one gives the same sequence. VCF-style (leftmost placement, unchanged base first): chrX-108734572-G-GC. GRCh37 (hg19) VCF-style: chrX-107977802-G-GC.
Other names: c.1772dupG (NM_003604.2); c.1772dup, p.Lys592fs (NM_003604.2); short protein forms K592fs.
Identifiers: ClinVar variation 691493 (VCV000691493.4), dbSNP rs780982673, ClinGen allele CA10489729.